The following is an entry in ClinVar:

NM_138694.4(PKHD1):c.8491A>G (p.Arg2831Gly)

Gene: PKHD1 (PKHD1 ciliary IPT domain containing fibrocystin/polyductin; minus strand). Cytogenetic location: 6p12.3.
Variant type: single nucleotide variant.
Coding change: c.8491A>G on transcript NM_138694.4 (MANE Select); coding-DNA position 8491, A replaced by G.
Protein change: p.Arg2831Gly; replaces arginine 2831 with glycine.
Molecular consequence: missense variant.
Genome position (GRCh38, 1-based): chr6:51,775,871, T>C on the plus strand (A>G on the coding strand, the complement: PKHD1 is on the minus strand). VCF-style: chr6-51775871-T-C. GRCh37 (hg19) VCF-style: chr6-51640669-T-C.
Other names: c.8491A>G, p.Arg2831Gly (NM_170724.3); c.8491A>G (NM_138694.3); short protein forms R2831G.
Identifiers: ClinVar variation 1330156 (VCV001330156.5), dbSNP rs767914998, ClinGen allele CA3851613.

ClinVar aggregate classification (germline): Conflicting classifications of pathogenicity. Review status: criteria provided, conflicting classifications (1 of 4 stars). 3 submissions from 3 submitters: Likely pathogenic (1); Uncertain significance (2). Last evaluated 2024-03-02.

Conditions:
Hypoplastic aortic arch. Also called: Aortic arch hypoplasia. Identifiers: MedGen C0265881, HP:0012304.
Polycystic kidney disease. Also called: Polycystic kidney dysplasia; Kidney, Polycystic. Identifiers: MedGen C0022680, MeSH D007690, MONDO:0020642, HP:0000113.
Polycystic kidney disease 4 (PKD4). Also called: POLYCYSTIC KIDNEY AND HEPATIC DISEASE 1; POLYCYSTIC KIDNEY DISEASE, INFANTILE, TYPE I; POLYCYSTIC KIDNEY DISEASE 4 WITH OR WITHOUT POLYCYSTIC LIVER DISEASE; Autosomal Recessive Polycystic Kidney Disease – PKHD1; PKD3. Identifiers: MedGen C4540575, MONDO:0033004, OMIM 263200.

Allele frequency attached by ClinVar (database versions not stated): gnomAD exomes below 0.00001; TOPMed below 0.00001; ExAC 0.00001; gnomAD 0.00001.
gnomAD v4.1: 8 of 1,601,192 alleles (0.0005%); highest among the groups gnomAD compares: South Asian, 0.0011%; no homozygotes.

Submissions (3):

Fulgent Genetics
Classification: Uncertain significance for Polycystic kidney disease 4. Last evaluated: 2024-03-02. Review status: criteria provided, single submitter. Criteria: ACMG Guidelines, 2015. Collection method: clinical testing. Allele origin: germline.

GeneDx
Classification: Uncertain significance. Last evaluated: 2022-08-04. Review status: criteria provided, single submitter. Criteria: GeneDx Variant Classification Process June 2021. Collection method: clinical testing. Allele origin: germline. Affected: yes.
Comment: Not observed at significant frequency in large population cohorts (gnomAD); In silico analysis supports that this missense variant has a deleterious effect on protein structure/function; Has not been previously published as pathogenic or benign to our knowledge

Centre of Medical Genetics, University Hospital Muenster
Classification: Likely pathogenic for Polycystic kidney disease; Hypoplastic aortic arch. Last evaluated: 2021-12-13. Review status: criteria provided, single submitter. Criteria: ACMG Guidelines, 2015. Collection method: clinical testing. Allele origin: germline. Affected: yes. Observed: 1 variant allele, 1 heterozygote.
Comment: ACMG categories: PM1,PM2,PM3,PP3